The following is an entry in ClinVar:

ClinVar aggregate classification (germline): Pathogenic (1 of 4 stars; one submission).

Conditions:
Congenital muscular hypertrophy-cerebral syndrome (CDLS2). Also called: Cornelia de Lange syndrome 2; SMC1A-Related Cornelia de Lange Syndrome. Identifiers: Orphanet 199, MedGen C1802395, MONDO:0010370, OMIM 300590.

Submission:

Labcorp Genetics (formerly Invitae), Labcorp
Classification: Pathogenic for Congenital muscular hypertrophy-cerebral syndrome. Last evaluated: 2023-09-14. Review status: criteria provided, single submitter. Criteria: Invitae Variant Classification Sherloc (09022015). Collection method: clinical testing. Allele origin: germline.
Comment: For these reasons, this variant has been classified as Pathogenic. Advanced modeling of protein sequence and biophysical properties (such as structural, functional, and spatial information, amino acid conservation, physicochemical variation, residue mobility, and thermodynamic stability) performed at Invitae indicates that this missense variant is expected to disrupt SMC1A protein function. This missense change has been observed in individual(s) with Cornelia de Lange (Invitae). In at least one individual the variant was observed to be de novo. This variant is not present in population databases (gnomAD no frequency). This sequence change replaces glutamic acid, which is acidic and polar, with aspartic acid, which is acidic and polar, at codon 303 of the SMC1A protein (p.Glu303Asp).

NM_006306.4(SMC1A):c.909G>C (p.Glu303Asp)

Gene: SMC1A (structural maintenance of chromosomes 1A; minus strand). Cytogenetic location: Xp11.22.
Variant type: single nucleotide variant.
Coding change: c.909G>C on transcript NM_006306.4 (MANE Select); coding-DNA position 909, G replaced by C.
Protein change: p.Glu303Asp; replaces glutamic acid 303 with aspartic acid.
Molecular consequence: missense variant.
Genome position (GRCh38, 1-based): chrX:53,412,199, C>G on the plus strand (G>C on the coding strand, the complement: SMC1A is on the minus strand). VCF-style: chrX-53412199-C-G. GRCh37 (hg19) VCF-style: chrX-53439149-C-G.
Other names: c.843G>C, p.Glu281Asp (NM_001281463.1); short protein forms E281D, E303D.
Identifiers: ClinVar variation 2747445 (VCV002747445.3), dbSNP rs2520958047, ClinGen allele CA413257927.